The following is an entry in ClinVar:

NM_001851.6(COL9A1):c.2447G>A (p.Arg816His)

Gene: COL9A1 (collagen type IX alpha 1 chain; minus strand). Cytogenetic location: 6q13.
Variant type: single nucleotide variant.
Coding change: c.2447G>A on transcript NM_001851.6 (MANE Select); coding-DNA position 2447, G replaced by A.
Protein change: p.Arg816His; replaces arginine 816 with histidine.
Molecular consequence: missense variant. On other transcripts: non-coding transcript variant (1).
Genome position (GRCh38, 1-based): chr6:70,232,639, C>T on the plus strand (G>A on the coding strand, the complement: COL9A1 is on the minus strand). VCF-style: chr6-70232639-C-T. GRCh37 (hg19) VCF-style: chr6-70942342-C-T.
Other names: c.1748G>A, p.Arg583His (NM_001377289.1); c.1571G>A, p.Arg524His (NM_001377290.1); c.1718G>A, p.Arg573His (NM_078485.4); short protein forms R573H, R583H, R816H, R524H.
Identifiers: ClinVar variation 1898378 (VCV001898378.2), dbSNP rs754596057, ClinGen allele CA364671775.
Genomic context (GRCh38, chr6:70,232,639, plus strand): 5'-TTACCTTTAGGTCCCCTCAAACCAAGAGCACCAGGGGGCCCCTTAATGCCCGGAAGGCCA[C>T]GAATTCCCATCTGGCCTGGGAAACCATTCTCTCCAGGAGGGCCGGGGGGACCAGGAGGGC-3'
Protein context (NP_001842.3, residues 806-826): ENGFPGQMGI[Arg816His]GLPGIKGPPG

ClinVar aggregate classification (germline): Uncertain significance (1 of 4 stars; one submission).

Allele frequency attached by ClinVar (database versions not stated): TOPMed below 0.00001; gnomAD 0.00001.

Submission:

Labcorp Genetics (formerly Invitae), Labcorp
Classification: Uncertain significance. Last evaluated: 2022-02-28. Review status: criteria provided, single submitter. Criteria: Invitae Variant Classification Sherloc (09022015). Collection method: clinical testing. Allele origin: germline.
Comment: This sequence change replaces arginine, which is basic and polar, with histidine, which is basic and polar, at codon 816 of the COL9A1 protein (p.Arg816His). This variant is not present in population databases (gnomAD no frequency). This variant has not been reported in the literature in individuals affected with COL9A1-related conditions. Advanced modeling of protein sequence and biophysical properties (such as structural, functional, and spatial information, amino acid conservation, physicochemical variation, residue mobility, and thermodynamic stability) performed at Invitae indicates that this missense variant is not expected to disrupt COL9A1 protein function. In summary, the available evidence is currently insufficient to determine the role of this variant in disease. Therefore, it has been classified as a Variant of Uncertain Significance.